The following is an entry in ClinVar:

NM_001017979.3(RAB28):c.563A>G (p.Glu188Gly)

Gene: RAB28 (RAB28, member RAS oncogene family; minus strand). Cytogenetic location: 4p15.33.
Variant type: single nucleotide variant.
Coding change: c.563A>G on transcript NM_001017979.3 (MANE Select); coding-DNA position 563, A replaced by G.
Protein change: p.Glu188Gly; replaces glutamic acid 188 with glycine.
Molecular consequence: missense variant.
Genome position (GRCh38, 1-based): chr4:13,376,555, T>C on the plus strand (A>G on the coding strand, the complement: RAB28 is on the minus strand). VCF-style: chr4-13376555-T-C. GRCh37 (hg19) VCF-style: chr4-13378179-T-C.
Other names: c.563A>G, p.Glu188Gly (NM_001159601.2, NM_004249.4); short protein forms E188G.
Identifiers: ClinVar variation 3674663 (VCV003674663.2).

ClinVar aggregate classification (germline): Uncertain significance (1 of 4 stars; one submission).

Submission:

Labcorp Genetics (formerly Invitae), Labcorp
Classification: Uncertain significance. Last evaluated: 2025-03-04. Review status: criteria provided, single submitter. Criteria: Invitae Variant Classification Sherloc (09022015). Collection method: clinical testing. Allele origin: germline.
Comment: This sequence change replaces glutamic acid, which is acidic and polar, with glycine, which is neutral and non-polar, at codon 188 of the RAB28 protein (p.Glu188Gly). This variant is not present in population databases (gnomAD no frequency). This variant has not been reported in the literature in individuals affected with RAB28-related conditions. An algorithm developed to predict the effect of missense changes on protein structure and function (PolyPhen-2) suggests that this variant is likely to be disruptive. In summary, the available evidence is currently insufficient to determine the role of this variant in disease. Therefore, it has been classified as a Variant of Uncertain Significance.